The following is an entry in ClinVar:

NM_000282.4(PCCA):c.1747-161C>T

Gene: PCCA (propionyl-CoA carboxylase subunit alpha; plus strand). Cytogenetic location: 13q32.3.
Variant type: single nucleotide variant.
Coding change: c.1747-161C>T on transcript NM_000282.4 (MANE Select); 161 bases into the intron before coding-DNA position 1747, C replaced by T.
Molecular consequence: intron variant.
Genome position (GRCh38, 1-based): chr13:100,425,472, C>T. VCF-style: chr13-100425472-C-T. GRCh37 (hg19) VCF-style: chr13-101077726-C-T.
Other names: c.1747-161C>T (NM_001178004.2, NM_001352605.2, NM_001352609.2); c.1603-161C>T (NM_001352606.2); c.802-161C>T (NM_001352610.2, NM_001352611.2); c.658-161C>T (NM_001352612.2); c.1669-161C>T (NM_001127692.3, NM_001352607.2); c.1525-161C>T (NM_001352608.2).
Identifiers: ClinVar variation 669956 (VCV000669956.1), dbSNP rs75527610, ClinGen allele CA13821362.

ClinVar aggregate classification (germline): Benign (1 of 4 stars; one submission).

Allele frequency attached by ClinVar (database versions not stated): 1000 Genomes Project 0.08167; 1000 Genomes Project 30x 0.08588; TOPMed 0.09541; gnomAD 0.09557 and 0.09635.
gnomAD v4.1: 14,633 of 152,264 alleles (9.6%); highest among the groups gnomAD compares: South Asian, 14%; 757 homozygotes.

Submission:

GeneDx
Classification: Benign. Last evaluated: 2018-06-14. Review status: criteria provided, single submitter. Criteria: GeneDx Variant Classification (06012015). Collection method: clinical testing. Allele origin: germline. Affected: yes.
Comment: This variant is considered likely benign or benign based on one or more of the following criteria: it is a conservative change, it occurs at a poorly conserved position in the protein, it is predicted to be benign by multiple in silico algorithms, and/or has population frequency not consistent with disease.